The following is an entry in ClinVar:

NM_005898.5(CAPRIN1):c.1975C>G (p.Pro659Ala)

Gene: CAPRIN1 (cell cycle associated protein 1; plus strand). Cytogenetic location: 11p13.
Variant type: single nucleotide variant.
Coding change: c.1975C>G on transcript NM_005898.5 (MANE Select); coding-DNA position 1975, C replaced by G.
Protein change: p.Pro659Ala; replaces proline 659 with alanine.
Molecular consequence: missense variant.
Genome position (GRCh38, 1-based): chr11:34,097,270, C>G. VCF-style: chr11-34097270-C-G. GRCh37 (hg19) VCF-style: chr11-34118817-C-G.
Other names: c.1975C>G, p.Pro659Ala (NM_203364.3); short protein forms P659A.
Identifiers: ClinVar variation 4887506 (VCV004887506.1).

ClinVar aggregate classification (germline): Uncertain significance (1 of 4 stars; one submission).

gnomAD v4.1: 1 of 1,613,274 alleles (0.000062%); highest among the groups gnomAD compares: African/African-American, 0.0013%; no homozygotes.

Submission:

Women's Health and Genetics/Laboratory Corporation of America, LabCorp
Classification: Uncertain significance. Last evaluated: 2026-06-04. Review status: criteria provided, single submitter. Criteria: LabCorp Variant Classification Summary - May 2015. Collection method: clinical testing. Allele origin: germline.
Comment: Variant summary: CAPRIN1 c.1975C>G (p.Pro659Ala) results in a non-conservative amino acid change in the encoded protein sequence. Algorithms developed to predict the effect of missense changes on protein structure and function are either unavailable or do not agree on the potential impact of this missense change. The variant was absent in 251294 control chromosomes. The available data on variant occurrences in the general population are insufficient to allow any conclusion about variant significance. To our knowledge, no occurrence of c.1975C>G in individuals affected with CAPRIN1-related conditions and no experimental evidence demonstrating its impact on protein function have been reported. No submitters have cited clinical-significance assessments for this variant to ClinVar. Based on the evidence outlined above, the variant was classified as uncertain significance.